The following is an entry in ClinVar:

ClinVar aggregate classification (germline): Uncertain significance. Review status: criteria provided, multiple submitters, no conflicts (2 of 4 stars). 2 submissions from 2 submitters: Uncertain significance (2). Last evaluated 2024-11-10.

Conditions:
Hermansky-Pudlak syndrome 2 (HPS2). Also called: Platelet defects and oculocutaneous albinism. Identifiers: Orphanet 183678, Orphanet 79430, MedGen C1842362, MONDO:0011997, OMIM 608233.
Inborn genetic diseases. Identifiers: MedGen C0950123, MeSH D030342.

Allele frequency attached by ClinVar (database versions not stated): gnomAD exomes below 0.00001.
gnomAD v4.1: 3 of 1,613,008 alleles (0.00019%); highest among the groups gnomAD compares: Admixed American, 0.0017%; no homozygotes.

Submissions (2):

Ambry Genetics
Classification: Uncertain significance for Inborn genetic diseases. Last evaluated: 2024-11-10. Review status: criteria provided, single submitter. Criteria: Ambry Variant Classification Scheme 2023. Collection method: clinical testing. Allele origin: germline.

Labcorp Genetics (formerly Invitae), Labcorp
Classification: Uncertain significance for Hermansky-Pudlak syndrome 2. Last evaluated: 2022-05-09. Review status: criteria provided, single submitter. Criteria: Invitae Variant Classification Sherloc (09022015). Collection method: clinical testing. Allele origin: germline.
Comment: In summary, the available evidence is currently insufficient to determine the role of this variant in disease. Therefore, it has been classified as a Variant of Uncertain Significance. Algorithms developed to predict the effect of missense changes on protein structure and function are either unavailable or do not agree on the potential impact of this missense change (SIFT: "Tolerated"; PolyPhen-2: "Possibly Damaging"; Align-GVGD: "Class C0"). This variant has not been reported in the literature in individuals affected with AP3B1-related conditions. This variant is present in population databases (no rsID available, gnomAD 0.003%). This sequence change replaces glycine, which is neutral and non-polar, with serine, which is neutral and polar, at codon 848 of the AP3B1 protein (p.Gly848Ser).

NM_003664.5(AP3B1):c.2542G>A (p.Gly848Ser)

Gene: AP3B1 (adaptor related protein complex 3 subunit beta 1; minus strand). Cytogenetic location: 5q14.1.
Variant type: single nucleotide variant.
Coding change: c.2542G>A on transcript NM_003664.5 (MANE Select); coding-DNA position 2542, G replaced by A.
Protein change: p.Gly848Ser; replaces glycine 848 with serine.
Molecular consequence: missense variant.
Genome position (GRCh38, 1-based): chr5:78,089,428, C>T on the plus strand (G>A on the coding strand, the complement: AP3B1 is on the minus strand). VCF-style: chr5-78089428-C-T. GRCh37 (hg19) VCF-style: chr5-77385252-C-T.
Other names: c.2395G>A, p.Gly799Ser (NM_001271769.2); c.2542G>A, p.Gly848Ser (NM_001410752.1); c.2542G>A (NM_003664.3); short protein forms G848S, G799S.
Identifiers: ClinVar variation 2074149 (VCV002074149.4), dbSNP rs1260839526, ClinGen allele CA360333065.